The following is an entry in ClinVar:

NM_006767.4(LZTR1):c.943G>A (p.Asp315Asn)

Gene: LZTR1 (leucine zipper like post translational regulator 1; plus strand). Cytogenetic location: 22q11.21.
Variant type: single nucleotide variant.
Coding change: c.943G>A on transcript NM_006767.4 (MANE Select); coding-DNA position 943, G replaced by A.
Protein change: p.Asp315Asn; replaces aspartic acid 315 with asparagine.
Molecular consequence: missense variant.
Genome position (GRCh38, 1-based): chr22:20,991,779, G>A. VCF-style: chr22-20991779-G-A. GRCh37 (hg19) VCF-style: chr22-21346068-G-A.
Other names: short protein forms D315N.
Identifiers: ClinVar variation 1766969 (VCV001766969.3), dbSNP rs1924616488, ClinGen allele CA410781500.

ClinVar aggregate classification (germline): Uncertain significance. Review status: criteria provided, multiple submitters, no conflicts (2 of 4 stars). 2 submissions from 2 submitters: Uncertain significance (2). Last evaluated 2026-08-07.

Conditions:
Hereditary cancer-predisposing syndrome. Also called: Tumor predisposition; Hereditary neoplastic syndrome; Hereditary Cancer Syndrome; Neoplastic Syndromes, Hereditary. Identifiers: Orphanet 140162, MedGen C0027672, MeSH D009386, MONDO:0015356.
Cardiovascular phenotype. Identifiers: MedGen CN230736.
LZTR1-related disorder. Also called: LZTR1-related disorders; LZTR1-related condition.

Submissions (2):

PreventionGenetics, part of Exact Sciences
Classification: Uncertain significance for LZTR1-related condition. Last evaluated: 2026-08-07. Review status: criteria provided, single submitter. Criteria: ACMG Guidelines, 2015. Collection method: clinical testing. Allele origin: germline.
Comment: The LZTR1 c.943G>A variant is predicted to result in the amino acid substitution p.Asp315Asn. To our knowledge, this variant has not been reported in the literature or in a large population database (gnomAD), indicating this variant is rare. At this time, the clinical significance of this variant is uncertain due to the absence of conclusive functional and genetic evidence.

Ambry Genetics
Classification: Uncertain significance for Cardiovascular phenotype; Hereditary cancer-predisposing syndrome. Last evaluated: 2022-09-12. Review status: criteria provided, single submitter. Criteria: Ambry Variant Classification Scheme 2023. Collection method: clinical testing. Allele origin: germline.
Comment: The p.D315N variant (also known as c.943G>A), located in coding exon 9 of the LZTR1 gene, results from a G to A substitution at nucleotide position 943. The aspartic acid at codon 315 is replaced by asparagine, an amino acid with highly similar properties. This amino acid position is conserved. In addition, the in silico prediction for this alteration is inconclusive. Since supporting evidence is limited at this time, the clinical significance of this alteration remains unclear.